The following is an entry in ClinVar:

ClinVar aggregate classification (germline): Likely benign (1 of 4 stars; one submission).

Allele frequency attached by ClinVar (database versions not stated): 1000 Genomes Project 0.00180; gnomAD 0.00218; 1000 Genomes Project 30x 0.00219; TOPMed 0.00246.

Submission:

CeGaT Center for Human Genetics Tuebingen
Classification: Likely benign. Last evaluated: 2023-02-01. Review status: criteria provided, single submitter. Criteria: CeGaT Center For Human Genetics Tuebingen Variant Classification Criteria Version 2. Collection method: clinical testing. Allele origin: germline. Affected: yes. Observed: 2 variant alleles.
Comment: SCN2A: BS1

NM_001040142.2(SCN2A):c.1672-2816C>T

Gene: SCN2A (sodium voltage-gated channel alpha subunit 2; plus strand). Cytogenetic location: 2q24.3.
Variant type: single nucleotide variant.
Coding change: c.1672-2816C>T on transcript NM_001040142.2 (MANE Select); 2816 bases into the intron before coding-DNA position 1672, C replaced by T.
Molecular consequence: intron variant.
Genome position (GRCh38, 1-based): chr2:165,320,340, C>T. VCF-style: chr2-165320340-C-T. GRCh37 (hg19) VCF-style: chr2-166176850-C-T.
Other names: c.1672-2816C>T (NM_001040143.2, NM_001371246.1, NM_001371247.1 and 1 more transcripts).
Identifiers: ClinVar variation 2651485 (VCV002651485.24), dbSNP rs190641336, ClinGen allele CA59734665.
Genomic context (GRCh38, chr2:165,320,340, plus strand): 5'-AGCTCCACCCCTGTCACTTTGCAGGGTACAGCTTCCCTCCTGACTACTTCCATGGGCTGG[C>T]ATTGAATGTCTGTGGCTTTTCCAGGTACACGGTTCAAGATGTTGGTGGATCTATTATTCT-3'